The following is an entry in ClinVar:

NM_004944.4(DNASE1L3):c.323A>C (p.Glu108Ala)

Gene: DNASE1L3 (deoxyribonuclease 1L3; minus strand). Cytogenetic location: 3p14.3.
Variant type: single nucleotide variant.
Coding change: c.323A>C on transcript NM_004944.4 (MANE Select); coding-DNA position 323, A replaced by C.
Protein change: p.Glu108Ala; replaces glutamic acid 108 with alanine.
Molecular consequence: missense variant.
Genome position (GRCh38, 1-based): chr3:58,204,879, T>G on the plus strand (A>C on the coding strand, the complement: DNASE1L3 is on the minus strand). VCF-style: chr3-58204879-T-G. GRCh37 (hg19) VCF-style: chr3-58190606-T-G.
Other names: c.233A>C, p.Glu78Ala (NM_001256560.2); short protein forms E108A, E78A.
Identifiers: ClinVar variation 1381582 (VCV001381582.8), dbSNP rs2097402967, ClinGen allele CA353340273.

ClinVar aggregate classification (germline): Uncertain significance (1 of 4 stars; one submission).

Allele frequency attached by ClinVar (database versions not stated): gnomAD exomes below 0.00001.
gnomAD v4.1: 2 of 1,614,064 alleles (0.00012%); highest among the groups gnomAD compares: South Asian, 0.0022%; no homozygotes.

Submission:

Labcorp Genetics (formerly Invitae), Labcorp
Classification: Uncertain significance. Last evaluated: 2021-07-15. Review status: criteria provided, single submitter. Criteria: Invitae Variant Classification Sherloc (09022015). Collection method: clinical testing. Allele origin: germline.
Comment: Algorithms developed to predict the effect of missense changes on protein structure and function (SIFT, PolyPhen-2, Align-GVGD) all suggest that this variant is likely to be tolerated. This variant has not been reported in the literature in individuals affected with DNASE1L3-related conditions. This variant is not present in population databases (ExAC no frequency). This sequence change replaces glutamic acid with alanine at codon 108 of the DNASE1L3 protein (p.Glu108Ala). The glutamic acid residue is moderately conserved and there is a moderate physicochemical difference between glutamic acid and alanine. In summary, the available evidence is currently insufficient to determine the role of this variant in disease. Therefore, it has been classified as a Variant of Uncertain Significance.